The following is an entry in ClinVar:

NM_005732.4(RAD50):c.45del (p.Phe15fs)

Gene: RAD50 (RAD50 double strand break repair protein; plus strand). Cytogenetic location: 5q31.1.
Variant type: Deletion.
Coding change: c.45del on transcript NM_005732.4 (MANE Select); coding-DNA position 45, one base deleted (T; older notation c.45delT).
Protein change: p.Phe15fs; shifts the reading frame from phenylalanine 15.
Molecular consequence: frameshift variant.
Genome position (GRCh38, 1-based): chr5:132,557,369, T deleted; the last of 4 consecutive T bases (chr5:132,557,366-132,557,369); deleting any one gives the same sequence. VCF-style (leftmost placement, unchanged base first): chr5-132557365-GT-G. GRCh37 (hg19) VCF-style: chr5-131893057-GT-G.
Other names: short protein forms F15fs.
Identifiers: ClinVar variation 2861995 (VCV002861995.3), dbSNP rs2149830102, ClinGen allele CA2710353539.

ClinVar aggregate classification (germline): Pathogenic (1 of 4 stars; one submission).

Conditions:
Hereditary cancer-predisposing syndrome. Also called: Hereditary neoplastic syndrome; Tumor predisposition; Neoplastic Syndromes, Hereditary; Hereditary Cancer Syndrome. Identifiers: Orphanet 140162, MedGen C0027672, MeSH D009386, MONDO:0015356.

Submission:

Labcorp Genetics (formerly Invitae), Labcorp
Classification: Pathogenic for Hereditary cancer-predisposing syndrome. Last evaluated: 2023-05-05. Review status: criteria provided, single submitter. Criteria: Invitae Variant Classification Sherloc (09022015). Collection method: clinical testing. Allele origin: germline.
Comment: For these reasons, this variant has been classified as Pathogenic. This variant has not been reported in the literature in individuals affected with RAD50-related conditions. This variant is not present in population databases (gnomAD no frequency). This sequence change creates a premature translational stop signal (p.Phe15Leufs*3) in the RAD50 gene. It is expected to result in an absent or disrupted protein product. Loss-of-function variants in RAD50 are known to be pathogenic (PMID: 19409520).

Literature cited by the submitters: PubMed 19409520.